The following is an entry in ClinVar:

ClinVar aggregate classification (germline): Uncertain significance (1 of 4 stars; one submission).

Conditions:
Combined immunodeficiency due to DOCK8 deficiency (HIES2). Also called: HYPER-IgE RECURRENT INFECTION SYNDROME 2, AUTOSOMAL RECESSIVE; HYPER-IgE SYNDROME 2, AUTOSOMAL RECESSIVE, WITH RECURRENT INFECTIONS; HIES autosomal recessive; DOCK8 Deficiency; Hyper-IgE recurrent infection syndrome, autosomal recessive. Identifiers: Orphanet 217390, MedGen C4722305, MONDO:0009478, OMIM 243700.

Allele frequency attached by ClinVar (database versions not stated): gnomAD 0.00001; TOPMed 0.00001.
gnomAD v4.1: 1 of 1,613,300 alleles (0.000062%); highest among the groups gnomAD compares: African/African-American, 0.0013%; no homozygotes.

Submission:

Labcorp Genetics (formerly Invitae), Labcorp
Classification: Uncertain significance for Combined immunodeficiency due to DOCK8 deficiency. Last evaluated: 2023-07-07. Review status: criteria provided, single submitter. Criteria: Invitae Variant Classification Sherloc (09022015). Collection method: clinical testing. Allele origin: germline.
Comment: This sequence change replaces glycine, which is neutral and non-polar, with arginine, which is basic and polar, at codon 717 of the DOCK8 protein (p.Gly717Arg). This variant is not present in population databases (gnomAD no frequency). In summary, the available evidence is currently insufficient to determine the role of this variant in disease. Therefore, it has been classified as a Variant of Uncertain Significance. Advanced modeling of protein sequence and biophysical properties (such as structural, functional, and spatial information, amino acid conservation, physicochemical variation, residue mobility, and thermodynamic stability) performed at Invitae indicates that this missense variant is expected to disrupt DOCK8 protein function. ClinVar contains an entry for this variant (Variation ID: 1355933). This variant has not been reported in the literature in individuals affected with DOCK8-related conditions.

NM_203447.4(DOCK8):c.2149G>A (p.Gly717Arg)

Gene: DOCK8 (dedicator of cytokinesis 8; plus strand). Cytogenetic location: 9p24.3.
Variant type: single nucleotide variant.
Coding change: c.2149G>A on transcript NM_203447.4 (MANE Select); coding-DNA position 2149, G replaced by A.
Protein change: p.Gly717Arg; replaces glycine 717 with arginine.
Molecular consequence: missense variant.
Genome position (GRCh38, 1-based): chr9:376,249, G>A. VCF-style: chr9-376249-G-A. GRCh37 (hg19) VCF-style: chr9-376249-G-A.
Other names: c.1945G>A, p.Gly649Arg (NM_001190458.2, NM_001193536.2); short protein forms G649R, G717R.
Identifiers: ClinVar variation 1355933 (VCV001355933.6), dbSNP rs1563981899, ClinGen allele CA372762874.